The following is an entry in ClinVar:

ClinVar aggregate classification (germline): Uncertain significance (1 of 4 stars; one submission).

Conditions:
Myopathy, tubular aggregate, 2 (TAM2). Identifiers: MedGen C4014557, MONDO:0014383, OMIM 615883.
Combined immunodeficiency due to ORAI1 deficiency. Also called: IMMUNODEFICIENCY 9. Identifiers: Orphanet 169090, Orphanet 317428, MedGen C2748568, MONDO:0013007, OMIM 612782.

Allele frequency attached by ClinVar (database versions not stated): gnomAD exomes below 0.00001; TOPMed below 0.00001; gnomAD 0.00001.

Submission:

Labcorp Genetics (formerly Invitae), Labcorp
Classification: Uncertain significance for Myopathy, tubular aggregate, 2; Combined immunodeficiency due to ORAI1 deficiency. Last evaluated: 2023-08-30. Review status: criteria provided, single submitter. Criteria: Invitae Variant Classification Sherloc (09022015). Collection method: clinical testing. Allele origin: germline.
Comment: This variant has not been reported in the literature in individuals affected with ORAI1-related conditions. Experimental studies and prediction algorithms are not available or were not evaluated, and the functional significance of this variant is currently unknown. In summary, the available evidence is currently insufficient to determine the role of this variant in disease. Therefore, it has been classified as a Variant of Uncertain Significance. This variant is not present in population databases (gnomAD no frequency). This sequence change replaces glutamine, which is neutral and polar, with arginine, which is basic and polar, at codon 58 of the ORAI1 protein (p.Gln58Arg).

NM_032790.4(ORAI1):c.173A>G (p.Gln58Arg)

Genes: ORAI1 (ORAI calcium release-activated calcium modulator 1; plus strand), LOC130008987 (ATAC-STARR-seq lymphoblastoid silent region 4981; plus strand). Cytogenetic location: 12q24.31.
Variant type: single nucleotide variant.
Coding change: c.173A>G on transcript NM_032790.4 (MANE Select); coding-DNA position 173, A replaced by G.
Protein change: p.Gln58Arg; replaces glutamine 58 with arginine.
Molecular consequence: missense variant. On other transcripts: non-coding transcript variant (1).
Genome position (GRCh38, 1-based): chr12:121,626,920, A>G. VCF-style: chr12-121626920-A-G. GRCh37 (hg19) VCF-style: chr12-122064826-A-G.
Other names: short protein forms Q58R.
Identifiers: ClinVar variation 2937135 (VCV002937135.3), dbSNP rs1180527508, ClinGen allele CA386980884.